The following is an entry in ClinVar:

ClinVar aggregate classification (germline): Uncertain significance (0 of 4 stars; one submission).

Conditions:
ACACB-related disorder. Also called: ACACB-related condition.

Allele frequency attached by ClinVar (database versions not stated): TOPMed below 0.00001; ExAC 0.00001; ESP Exome Variant Server 0.00008.
gnomAD v4.1: 14 of 1,613,688 alleles (0.00087%); highest among the groups gnomAD compares: Non-Finnish European, 0.0012%; no homozygotes.

Submission:

PreventionGenetics, part of Exact Sciences
Classification: Uncertain significance for ACACB-related condition. Last evaluated: 2023-11-16. Review status: no assertion criteria provided. Collection method: clinical testing. Allele origin: germline.
Comment: The ACACB c.4822G>A variant is predicted to result in the amino acid substitution p.Glu1608Lys. To our knowledge, this variant has not been reported in the literature. This variant is reported in 0.0018% of alleles in individuals of European (Non-Finnish) descent in gnomAD. At this time, the clinical significance of this variant is uncertain due to the absence of conclusive functional and genetic evidence.

NM_001093.4(ACACB):c.4822G>A (p.Glu1608Lys)

Gene: ACACB (acetyl-CoA carboxylase beta; plus strand). Cytogenetic location: 12q24.11.
Variant type: single nucleotide variant.
Coding change: c.4822G>A on transcript NM_001093.4 (MANE Select); coding-DNA position 4822, G replaced by A.
Protein change: p.Glu1608Lys; replaces glutamic acid 1608 with lysine.
Molecular consequence: missense variant.
Genome position (GRCh38, 1-based): chr12:109,241,081, G>A. VCF-style: chr12-109241081-G-A. GRCh37 (hg19) VCF-style: chr12-109678886-G-A.
Other names: c.4822G>A, p.Glu1608Lys (NM_001412734.1, NM_001412735.1); c.4216G>A, p.Glu1406Lys (NM_001412736.1, NM_001412739.1); c.4195G>A, p.Glu1399Lys (NM_001412737.1); c.4027G>A, p.Glu1343Lys (NM_001412738.1); short protein forms E1343K, E1399K, E1406K, E1608K.
Identifiers: ClinVar variation 3045343 (VCV003045343.2), dbSNP rs374379639, ClinGen allele CA6774535.